The following is an entry in ClinVar:

ClinVar aggregate classification (germline): Likely benign. Review status: criteria provided, multiple submitters, no conflicts (2 of 4 stars). 6 submissions from 5 submitters: Likely benign (5). 1 of the submissions does not count toward it. Last evaluated 2025-10-15.

Conditions:
USH2A-related disorder. Also called: USH2A-related condition; USH2A-related disorders. Identifiers: MedGen CN239332.
Retinitis pigmentosa 39 (RP39). Identifiers: Orphanet 791, MedGen C3151138, MONDO:0013436, OMIM 613809.
Usher syndrome type 2A. Also called: USHER SYNDROME, TYPE IIA; RETINAL DISEASE IN USHER SYNDROME TYPE IIA, MODIFIER OF. Identifiers: Orphanet 231178, Orphanet 886, MedGen C1848634, MONDO:0010169, OMIM 276901.

Allele frequency attached by ClinVar (database versions not stated): gnomAD 0.00006 and 0.00007; gnomAD exomes 0.00006 and 0.00012; TOPMed 0.00007; ExAC 0.00009; ESP Exome Variant Server 0.00023.
gnomAD v4.1: 101 of 1,613,666 alleles (0.0063%); highest among the groups gnomAD compares: South Asian, 0.063%; 1 homozygote.

Submissions (6):

Labcorp Genetics (formerly Invitae), Labcorp
Classification: Likely benign. Last evaluated: 2025-10-15. Review status: criteria provided, single submitter. Criteria: Invitae Variant Classification Sherloc (09022015). Collection method: clinical testing. Allele origin: germline.

Blueprint Genetics
Classification: Likely benign. Last evaluated: 2023-11-14. Review status: criteria provided, single submitter. Criteria: ACMG Guidelines, 2015. Collection method: clinical testing. Allele origin: germline.

Genome-Nilou Lab
Classification: Likely benign for Retinitis pigmentosa 39. Last evaluated: 2023-11-04. Review status: criteria provided, single submitter. Criteria: ACMG Guidelines, 2015. Collection method: clinical testing. Allele origin: germline. Affected: no.

Genome-Nilou Lab
Classification: Likely benign for Usher syndrome type 2A. Last evaluated: 2023-11-04. Review status: criteria provided, single submitter. Criteria: ACMG Guidelines, 2015. Collection method: clinical testing. Allele origin: germline. Affected: no.

Laboratory for Molecular Medicine, Mass General Brigham Personalized Medicine
Classification: Likely benign. Last evaluated: 2012-04-30. Review status: criteria provided, single submitter. Criteria: LMM Criteria. Collection method: clinical testing. Allele origin: germline. Observed: 1 variant allele.
Comment: Tyr2294Tyr in Exon 36 of USH2A: This variant is not expected to have clinical si gnificance because it does not alter an amino acid residue, is not located withi n the splice consensus sequence, and has been identified in 1/3738 African Ameri can chromosomes from a broad population by the NHLBI Exome Sequencing Project (dbSNP rs147615382).

PreventionGenetics, part of Exact Sciences
Classification: Likely benign for USH2A-related condition. Last evaluated: 2024-08-08. Review status: no assertion criteria provided. Collection method: clinical testing. Allele origin: germline. Not counted in ClinVar's aggregate classification.
Comment: This variant is classified as likely benign based on ACMG/AMP sequence variant interpretation guidelines (Richards et al. 2015 PMID: 25741868, with internal and published modifications).

NM_206933.4(USH2A):c.6882C>T (p.Tyr2294=)

Gene: USH2A (usherin; minus strand). Cytogenetic location: 1q41.
Variant type: single nucleotide variant.
Coding change: c.6882C>T on transcript NM_206933.4 (MANE Select); coding-DNA position 6882, C replaced by T.
Protein change: p.Tyr2294=; no amino-acid change (tyrosine 2294 retained).
Molecular consequence: synonymous variant.
Genome position (GRCh38, 1-based): chr1:215,970,700, G>A on the plus strand (C>T on the coding strand, the complement: USH2A is on the minus strand). VCF-style: chr1-215970700-G-A. GRCh37 (hg19) VCF-style: chr1-216144042-G-A.
Identifiers: ClinVar variation 504704 (VCV000504704.16), dbSNP rs147615382, ClinGen allele CA1395010.